The following is an entry in ClinVar:

ClinVar aggregate classification (germline): Uncertain significance. Review status: criteria provided, multiple submitters, no conflicts (2 of 4 stars). 2 submissions from 2 submitters: Uncertain significance (2). Last evaluated 2025-10-22.

Conditions:
Inborn genetic diseases. Identifiers: MedGen C0950123, MeSH D030342.
Fanconi anemia (FA). Also called: Fanconi's anemia. Identifiers: Orphanet 84, MedGen C0015625, MeSH D005199, MONDO:0019391.

Allele frequency attached by ClinVar (database versions not stated): TOPMed below 0.00001; gnomAD 0.00001; gnomAD exomes 0.00001; ExAC 0.00002.
gnomAD v4.1: 13 of 1,614,108 alleles (0.00081%); highest among the groups gnomAD compares: Admixed American, 0.0033%; no homozygotes.

Submissions (2):

Labcorp Genetics (formerly Invitae), Labcorp
Classification: Uncertain significance for Fanconi anemia. Last evaluated: 2025-10-22. Review status: criteria provided, single submitter. Criteria: Invitae Variant Classification Sherloc (09022015). Collection method: clinical testing. Allele origin: germline.
Comment: This sequence change replaces cysteine, which is neutral and slightly polar, with tyrosine, which is neutral and polar, at codon 1189 of the SLX4 protein (p.Cys1189Tyr). This variant is present in population databases (rs766648339, gnomAD 0.006%). This variant has not been reported in the literature in individuals affected with SLX4-related conditions. ClinVar contains an entry for this variant (Variation ID: 1449815). An algorithm developed to predict the effect of missense changes on protein structure and function (PolyPhen-2) suggests that this variant is likely to be tolerated. In summary, the available evidence is currently insufficient to determine the role of this variant in disease. Therefore, it has been classified as a Variant of Uncertain Significance.

Ambry Genetics
Classification: Uncertain significance for Inborn genetic diseases. Last evaluated: 2025-08-04. Review status: criteria provided, single submitter. Criteria: Ambry Variant Classification Scheme 2023. Collection method: clinical testing. Allele origin: germline.

NM_032444.4(SLX4):c.3566G>A (p.Cys1189Tyr)

Gene: SLX4 (SLX4 structure-specific endonuclease subunit; minus strand). Cytogenetic location: 16p13.3.
Variant type: single nucleotide variant.
Coding change: c.3566G>A on transcript NM_032444.4 (MANE Select); coding-DNA position 3566, G replaced by A.
Protein change: p.Cys1189Tyr; replaces cysteine 1189 with tyrosine.
Molecular consequence: missense variant.
Genome position (GRCh38, 1-based): chr16:3,590,072, C>T on the plus strand (G>A on the coding strand, the complement: SLX4 is on the minus strand). VCF-style: chr16-3590072-C-T. GRCh37 (hg19) VCF-style: chr16-3640073-C-T.
Other names: c.3566G>A (NM_032444.2); short protein forms C1189Y.
Identifiers: ClinVar variation 1449815 (VCV001449815.10), dbSNP rs766648339, ClinGen allele CA7865900.